The following is an entry in ClinVar:

ClinVar aggregate classification (germline): Benign. Review status: criteria provided, multiple submitters, no conflicts (2 of 4 stars). 8 submissions from 8 submitters: Benign (8). Last evaluated 2026-02-03.

Conditions:
Imerslund-Grasbeck syndrome type 1 (IGS1). Also called: Megaloblastic anemia 1, Finnish type; MEGALOBLASTIC ANEMIA, 1; Imerslund-Gräsbeck syndrome 1. Identifiers: MedGen C4016819, MONDO:0100156, OMIM 261100.
Imerslund-Grasbeck syndrome. Also called: ENTEROCYTE COBALAMIN MALABSORPTION; ENTEROCYTE INTRINSIC FACTOR RECEPTOR, DEFECT OF; Imerslund-Gräsbeck syndrome; PERNICIOUS ANEMIA, JUVENILE, DUE TO SELECTIVE INTESTINAL MALABSORPTION OF VITAMIN B12, WITH PROTEINURIA; Megaloblastic anemia due to inborn errors of metabolism. Identifiers: Orphanet 35858, MedGen C4551825, MONDO:0009853.

Allele frequency attached by ClinVar (database versions not stated): 1000 Genomes Project 0.08786; 1000 Genomes Project 30x 0.08901; TOPMed 0.12952; gnomAD 0.13356 and 0.13402; ExAC 0.14445; ESP Exome Variant Server 0.14509; gnomAD exomes 0.14579 and 0.18597.
gnomAD v4.1: 291,470 of 1,613,700 alleles (18%); highest among the groups gnomAD compares: Non-Finnish European, 20%; 28,578 homozygotes.

Submissions (8):

Labcorp Genetics (formerly Invitae), Labcorp
Classification: Benign for Imerslund-Grasbeck syndrome. Last evaluated: 2026-02-03. Review status: criteria provided, single submitter. Criteria: Invitae Variant Classification Sherloc (09022015). Collection method: clinical testing. Allele origin: germline.

ARUP Laboratories, Molecular Genetics and Genomics, ARUP Laboratories
Classification: Benign. Last evaluated: 2025-07-28. Review status: criteria provided, single submitter. Criteria: ARUP Molecular Germline Variant Investigation Process 2024. Collection method: clinical testing. Allele origin: germline.

Blueprint Genetics
Classification: Benign. Last evaluated: 2024-11-27. Review status: criteria provided, single submitter. Criteria: ACMG Guidelines, 2015. Collection method: clinical testing. Allele origin: germline.

Mayo Clinic Laboratories, Mayo Clinic
Classification: Benign. Last evaluated: 2022-03-09. Review status: criteria provided, single submitter. Criteria: ACMG Guidelines, 2015. Collection method: clinical testing. Allele origin: germline. Observed: 67 variant alleles.

Genome-Nilou Lab
Classification: Benign for Imerslund-Grasbeck syndrome type 1. Last evaluated: 2021-07-30. Review status: criteria provided, single submitter. Criteria: ACMG Guidelines, 2015. Collection method: clinical testing. Allele origin: germline. Affected: no.

GeneDx
Classification: Benign. Last evaluated: 2018-07-31. Review status: criteria provided, single submitter. Criteria: GeneDx Variant Classification Process June 2021. Collection method: clinical testing. Allele origin: germline. Affected: yes.

Illumina Laboratory Services, Illumina
Classification: Benign for Imerslund-Grasbeck syndrome type 1. Last evaluated: 2018-01-13. Review status: criteria provided, single submitter. Criteria: ICSL Variant Classification Criteria 13 December 2019. Collection method: clinical testing. Allele origin: germline.
Comment: This variant was observed in the ICSL laboratory as part of a predisposition screen in an ostensibly healthy population. It had not been previously curated by ICSL or reported in the Human Gene Mutation Database (HGMD: prior to June 1st, 2018), and was therefore a candidate for classification through an automated scoring system. Utilizing variant allele frequency, disease prevalence and penetrance estimates, and inheritance mode, an automated score was calculated to assess if this variant is too frequent to cause the disease. Based on the score and internal cut-off values, a variant classified as benign is not then subjected to further curation. The score for this variant resulted in a classification of benign for this disease.

Breakthrough Genomics
Classification: Benign. Review status: criteria provided, single submitter. Criteria: ACMG Guidelines, 2015. Collection method: not provided. Allele origin: germline. Inheritance: Autosomal recessive inheritance. Affected: yes.

NM_001081.4(CUBN):c.5803A>G (p.Ser1935Gly)

Gene: CUBN (cubilin; minus strand). Cytogenetic location: 10p13.
Variant type: single nucleotide variant.
Coding change: c.5803A>G on transcript NM_001081.4 (MANE Select); coding-DNA position 5803, A replaced by G.
Protein change: p.Ser1935Gly; replaces serine 1935 with glycine.
Molecular consequence: missense variant.
Genome position (GRCh38, 1-based): chr10:16,937,715, T>C on the plus strand (A>G on the coding strand, the complement: CUBN is on the minus strand). VCF-style: chr10-16937715-T-C. GRCh37 (hg19) VCF-style: chr10-16979714-T-C.
Other names: short protein forms S1935G.
Identifiers: ClinVar variation 299455 (VCV000299455.33), dbSNP rs41289305, ClinGen allele CA5423904.